The following is an entry in ClinVar:

NM_000089.4(COL1A2):c.3792C>T (p.Ala1264=)

Gene: COL1A2 (collagen type I alpha 2 chain; plus strand). Cytogenetic location: 7q21.3.
Variant type: single nucleotide variant.
Coding change: c.3792C>T on transcript NM_000089.4 (MANE Select); coding-DNA position 3792, C replaced by T.
Protein change: p.Ala1264=; no amino-acid change (alanine 1264 retained).
Molecular consequence: synonymous variant.
Genome position (GRCh38, 1-based): chr7:94,429,268, C>T. VCF-style: chr7-94429268-C-T. GRCh37 (hg19) VCF-style: chr7-94058580-C-T.
Identifiers: ClinVar variation 509413 (VCV000509413.46), dbSNP rs745413783, ClinGen allele CA4347857.
Genomic context (GRCh38, chr7:94,429,268, plus strand): 5'-AGTGACTTCCAAGGAAATGGCTACCCAACTTGCCTTCATGCGCCTGCTGGCCAACTATGC[C>T]TCTCAGAACATCACCTACCACTGCAAGAACAGCATTGCATACATGGATGAGGAGACTGGC-3'
Protein context (NP_000080.2, residues 1254-1274): LAFMRLLANY[Ala1264=]SQNITYHCKN

ClinVar aggregate classification (germline): Conflicting classifications of pathogenicity. Review status: criteria provided, conflicting classifications (1 of 4 stars). 8 submissions from 8 submitters: Uncertain significance (1); Likely benign (6). 1 of the submissions does not count toward it. Last evaluated 2026-01-20.

Conditions:
Ehlers-Danlos syndrome, arthrochalasia type, 2. Also called: EHLERS-DANLOS SYNDROME, TYPE VIIB, AUTOSOMAL DOMINANT. Identifiers: MedGen CN293783, MONDO:0040501, OMIM 617821.
Osteogenesis imperfecta type I (OI1). Also called: Osteogenesis imperfecta type 1; Lobstein disease; Classic Non-deforming Osteogenesis Imperfecta with Blue Sclerae; Lobstein's Disease; OI, TYPE I; OSTEOGENESIS IMPERFECTA TARDA. Identifiers: Orphanet 216796, Orphanet 666, MedGen C0023931, MONDO:0008146, OMIM 166200. Disease mechanism: loss of function.
Ehlers-Danlos syndrome, classic type, 1 (EDSCL1). Also called: Ehlers-Danlos Syndrome, Classic Type, COL5A1-Related; EDS I; Ehlers-Danlos syndrome, type 1; EHLERS-DANLOS SYNDROME, GRAVIS TYPE; EHLERS-DANLOS SYNDROME, SEVERE CLASSIC TYPE. Identifiers: MedGen C0268335, MONDO:0019567, OMIM 130000.
Cardiovascular phenotype. Identifiers: MedGen CN230736.
COL1A2-related disorder. Also called: COL1A2-related condition; COL1A2-Related Disorders.

Allele frequency attached by ClinVar (database versions not stated): TOPMed 0.00006; ExAC 0.00008; gnomAD exomes 0.00008 and 0.00009; gnomAD 0.00009 and 0.00010.
gnomAD v4.1: 132 of 1,613,916 alleles (0.0082%); highest among the groups gnomAD compares: Middle Eastern, 0.016%; no homozygotes.

Submissions (8):

Labcorp Genetics (formerly Invitae), Labcorp
Classification: Likely benign for Osteogenesis imperfecta type I; Ehlers-Danlos syndrome, classic type, 1. Last evaluated: 2026-01-20. Review status: criteria provided, single submitter. Criteria: Invitae Variant Classification Sherloc (09022015). Collection method: clinical testing. Allele origin: germline.

Women's Health and Genetics/Laboratory Corporation of America, LabCorp
Classification: Likely benign. Last evaluated: 2025-06-13. Review status: criteria provided, single submitter. Criteria: LabCorp Variant Classification Summary - May 2015. Collection method: clinical testing. Allele origin: germline.

Blueprint Genetics
Classification: Likely benign. Last evaluated: 2024-10-11. Review status: criteria provided, single submitter. Criteria: ACMG Guidelines, 2015. Collection method: clinical testing. Allele origin: germline.

CeGaT Center for Human Genetics Tuebingen
Classification: Likely benign. Last evaluated: 2022-07-01. Review status: criteria provided, single submitter. Criteria: CeGaT Center For Human Genetics Tuebingen Variant Classification Criteria Version 2. Collection method: clinical testing. Allele origin: germline. Affected: yes. Observed: 2 variant alleles.
Comment: COL1A2: BP4, BP7

Ambry Genetics
Classification: Likely benign for Cardiovascular phenotype. Last evaluated: 2019-06-06. Review status: criteria provided, single submitter. Criteria: Ambry Variant Classification Scheme 2023. Collection method: clinical testing. Allele origin: germline.

Institute of Human Genetics, University of Leipzig Medical Center
Classification: Uncertain significance for Ehlers-Danlos syndrome, arthrochalasia type, 2. Last evaluated: 2019-01-01. Review status: criteria provided, single submitter. Criteria: ACMG Guidelines, 2015. Collection method: clinical testing. Allele origin: unknown. Affected: yes.

GeneDx
Classification: Likely benign. Last evaluated: 2017-05-08. Review status: criteria provided, single submitter. Criteria: GeneDx Variant Classification (06012015). Collection method: clinical testing. Allele origin: germline. Affected: yes.
Comment: This variant is considered likely benign or benign based on one or more of the following criteria: it is a conservative change, it occurs at a poorly conserved position in the protein, it is predicted to be benign by multiple in silico algorithms, and/or has population frequency not consistent with disease.

PreventionGenetics, part of Exact Sciences
Classification: Likely benign for COL1A2-related condition. Last evaluated: 2022-07-13. Review status: no assertion criteria provided. Collection method: clinical testing. Allele origin: germline. Not counted in ClinVar's aggregate classification.
Comment: This variant is classified as likely benign based on ACMG/AMP sequence variant interpretation guidelines (Richards et al. 2015 PMID: 25741868, with internal and published modifications).